The following is an entry in ClinVar:

ClinVar aggregate classification (germline): Uncertain significance. Review status: criteria provided, multiple submitters, no conflicts (2 of 4 stars). 2 submissions from 2 submitters: Uncertain significance (2). Last evaluated 2026-06-24.

Conditions:
Inborn genetic diseases. Identifiers: MedGen C0950123, MeSH D030342.
Kabuki syndrome. Also called: Kabuki make-up syndrome; NIIKAWA-KUROKI SYNDROME. Identifiers: Orphanet 2322, MedGen C0796004, MONDO:0016512.

Allele frequency attached by ClinVar (database versions not stated): TOPMed below 0.00001.

Submissions (2):

Ambry Genetics
Classification: Uncertain significance for Inborn genetic diseases. Last evaluated: 2026-06-24. Review status: criteria provided, single submitter. Criteria: Ambry Variant Classification Scheme 2023. Collection method: clinical testing. Allele origin: germline.

Labcorp Genetics (formerly Invitae), Labcorp
Classification: Uncertain significance for Kabuki syndrome. Last evaluated: 2021-07-13. Review status: criteria provided, single submitter. Criteria: Invitae Variant Classification Sherloc (09022015). Collection method: clinical testing. Allele origin: germline.
Comment: In summary, the available evidence is currently insufficient to determine the role of this variant in disease. Therefore, it has been classified as a Variant of Uncertain Significance. Advanced modeling of protein sequence and biophysical properties (such as structural, functional, and spatial information, amino acid conservation, physicochemical variation, residue mobility, and thermodynamic stability) performed at Invitae indicates that this missense variant is not expected to disrupt KMT2D protein function. This variant is not present in population databases (ExAC no frequency). This sequence change replaces proline with serine at codon 2908 of the KMT2D protein (p.Pro2908Ser). The proline residue is moderately conserved and there is a moderate physicochemical difference between proline and serine. This variant has not been reported in the literature in individuals affected with KMT2D-related conditions.

NM_003482.4(KMT2D):c.8722C>T (p.Pro2908Ser)

Gene: KMT2D (lysine methyltransferase 2D; minus strand). Cytogenetic location: 12q13.12.
Variant type: single nucleotide variant.
Coding change: c.8722C>T on transcript NM_003482.4 (MANE Select); coding-DNA position 8722, C replaced by T.
Protein change: p.Pro2908Ser; replaces proline 2908 with serine.
Molecular consequence: missense variant.
Genome position (GRCh38, 1-based): chr12:49,038,634, G>A on the plus strand (C>T on the coding strand, the complement: KMT2D is on the minus strand). VCF-style: chr12-49038634-G-A. GRCh37 (hg19) VCF-style: chr12-49432417-G-A.
Other names: c.8722C>T (NM_003482.3); short protein forms P2908S.
Identifiers: ClinVar variation 1402098 (VCV001402098.9), dbSNP rs1943339891, ClinGen allele CA384741032.